The following is an entry in ClinVar:

NM_020822.3(KCNT1):c.3131A>G (p.Glu1044Gly)

Gene: KCNT1 (potassium sodium-activated channel subfamily T member 1; plus strand). Cytogenetic location: 9q34.3.
Variant type: single nucleotide variant.
Coding change: c.3131A>G on transcript NM_020822.3 (MANE Select); coding-DNA position 3131, A replaced by G.
Protein change: p.Glu1044Gly; replaces glutamic acid 1044 with glycine.
Molecular consequence: missense variant.
Genome position (GRCh38, 1-based): chr9:135,784,864, A>G. VCF-style: chr9-135784864-A-G. GRCh37 (hg19) VCF-style: chr9-138676710-A-G.
Other names: c.2996A>G, p.Glu999Gly (NM_001272003.2); short protein forms E1044G, E999G.
Identifiers: ClinVar variation 4789889 (VCV004789889.1).
Genomic context (GRCh38, chr9:135,784,864, plus strand): 5'-GCCTCTTCCAGAAGCTCTGCTCCTCCAGCGCCGAGATCCCCATTGGCATCTACCGGACAG[A>G]GAGCCACGTCTTCTCCACCTCGGAGGTTCTGGGGCAGCCTGGGGGCTGGGACTGTGGCAG-3'
Protein context (NP_065873.2, residues 1034-1054): AEIPIGIYRT[Glu1044Gly]SHVFSTSEPH

ClinVar aggregate classification (germline): Uncertain significance (1 of 4 stars; one submission).

Conditions:
Autosomal dominant nocturnal frontal lobe epilepsy 5. Also called: CILIARY DYSKINESIA, PRIMARY, 28, WITHOUT SITUS INVERSUS; CILIARY DYSKINESIA, PRIMARY, 28, WITH SITUS INVERSUS; KCNT1-Related Epilepsy; Epilepsy, nocturnal frontal lobe, 5. Identifiers: Orphanet 98784, MedGen C3554306, MONDO:0014002, OMIM 615005.
Developmental and epileptic encephalopathy, 14 (DEE14). Also called: Early infantile epileptic encephalopathy 14. Identifiers: Orphanet 293181, MedGen C3554195, MONDO:0013989, OMIM 614959.

gnomAD v4.1: 2 of 1,612,692 alleles (0.00012%); highest among the groups gnomAD compares: Non-Finnish European, 0.000085%; no homozygotes.

Submission:

Labcorp Genetics (formerly Invitae), Labcorp
Classification: Uncertain significance for Autosomal dominant nocturnal frontal lobe epilepsy 5; Developmental and epileptic encephalopathy, 14. Last evaluated: 2025-05-31. Review status: criteria provided, single submitter. Criteria: Invitae Variant Classification Sherloc (09022015). Collection method: clinical testing. Allele origin: germline.
Comment: This sequence change replaces glutamic acid, which is acidic and polar, with glycine, which is neutral and non-polar, at codon 1044 of the KCNT1 protein (p.Glu1044Gly). This variant is present in population databases (no rsID available, gnomAD 0.003%). This variant has not been reported in the literature in individuals affected with KCNT1-related conditions. Invitae Evidence Modeling of protein sequence and biophysical properties (such as structural, functional, and spatial information, amino acid conservation, physicochemical variation, residue mobility, and thermodynamic stability) has been performed for this missense variant. However, the output from this modeling did not meet the statistical confidence thresholds required to predict the impact of this variant on KCNT1 protein function. In summary, the available evidence is currently insufficient to determine the role of this variant in disease. Therefore, it has been classified as a Variant of Uncertain Significance.